The following is an entry in ClinVar:

ClinVar aggregate classification (germline): Pathogenic (1 of 4 stars; one submission).

Conditions:
Hereditary nonpolyposis colorectal neoplasms. Identifiers: MedGen C0009405, MeSH D003123.

Submission:

Labcorp Genetics (formerly Invitae), Labcorp
Classification: Pathogenic for Hereditary nonpolyposis colorectal neoplasms. Last evaluated: 2026-01-05. Review status: criteria provided, single submitter. Criteria: Invitae Variant Classification Sherloc (09022015). Collection method: clinical testing. Allele origin: germline.
Comment: This sequence change falls in intron 9 of the MSH6 gene. It does not directly change the encoded amino acid sequence of the MSH6 protein. RNA analysis indicates that this variant induces altered splicing and may result in an absent or altered protein product. This variant is not present in population databases (gnomAD no frequency). This variant has been observed in individuals with colorectal cancer (internal data). ClinVar contains an entry for this variant (Variation ID: 2751151). Variants that disrupt the consensus splice site are a relatively common cause of aberrant splicing (PMID: 17576681, 9536098). Studies have shown that this variant results in skipping of exon 9, and produces a non-functional protein and/or introduces a premature termination codon (internal data). For these reasons, this variant has been classified as Pathogenic.

Literature cited by the submitters: PubMed 17576681; PubMed 9536098.

NM_000179.3(MSH6):c.4001+2dup

Gene: MSH6 (mutS homolog 6; plus strand). Cytogenetic location: 2p16.3.
Variant type: Duplication.
Coding change: c.4001+2dup on transcript NM_000179.3 (MANE Select); the canonical splice donor site of the intron after coding-DNA position 4001, one base duplicated (T; older notation c.4001+2dupT).
Molecular consequence: splice donor variant. On other transcripts: intron variant (1).
Genome position (GRCh38, 1-based): chr2:47,806,653, T duplicated. VCF-style (leftmost placement, unchanged base first): chr2-47806652-G-GT. GRCh37 (hg19) VCF-style: chr2-48033791-G-GT.
Other names: c.4001+2dup (NM_001406809.1, NM_001406796.1, NM_001406808.1); c.3095+2dup (NM_001406811.1, NM_001406814.1, NM_001281493.2 and 6 more transcripts); c.3704+2dup (NM_001406805.1, NM_001406797.1, NM_001406801.1 and 10 more transcripts); c.4097+2dup (NM_001406795.1); c.3898-126dup (NM_001406802.1); c.4007+2dup (NM_001406813.1); c.3476+2dup (NM_001406807.1, NM_001406799.1, NM_001406806.1); c.*22+2dup (NM_001406800.1); and 9 more.
Identifiers: ClinVar variation 2751151 (VCV002751151.3), dbSNP rs2530879747, ClinGen allele CA2697548137.